The following is an entry in ClinVar:

ClinVar aggregate classification (germline): Uncertain significance. Review status: criteria provided, multiple submitters, no conflicts (2 of 4 stars). 3 submissions from 3 submitters: Uncertain significance (3). Last evaluated 2026-06-01.

Conditions:
Inborn genetic diseases. Identifiers: MedGen C0950123, MeSH D030342.
Corneal dystrophy. Identifiers: Orphanet 34533, MedGen C0010036, MONDO:0018102, HP:0001131.

Allele frequency attached by ClinVar (database versions not stated): TOPMed 0.00003; ExAC 0.00004; gnomAD exomes 0.00006 and 0.00007; gnomAD 0.00007; 1000 Genomes Project 30x 0.00031.

Submissions (3):

CeGaT Center for Human Genetics Tuebingen
Classification: Uncertain significance. Last evaluated: 2026-06-01. Review status: criteria provided, single submitter. Criteria: CeGaT Center For Human Genetics Tuebingen Variant Classification Criteria Version 2. Collection method: clinical testing. Allele origin: germline. Affected: yes. Observed: 1 variant allele.
Comment: SLC4A11: PM2

Ambry Genetics
Classification: Uncertain significance for Inborn genetic diseases. Last evaluated: 2022-12-13. Review status: criteria provided, single submitter. Criteria: Ambry Variant Classification Scheme 2023. Collection method: clinical testing. Allele origin: germline.

Illumina Laboratory Services, Illumina
Classification: Uncertain significance for Corneal dystrophy. Last evaluated: 2018-01-12. Review status: criteria provided, single submitter. Criteria: ICSL Variant Classification Criteria 13 December 2019. Collection method: clinical testing. Allele origin: germline.

NM_001174089.2(SLC4A11):c.631C>T (p.Arg211Trp)

Gene: SLC4A11 (solute carrier family 4 member 11; minus strand). Cytogenetic location: 20p13.
Variant type: single nucleotide variant.
Coding change: c.631C>T on transcript NM_001174089.2 (MANE Select); coding-DNA position 631, C replaced by T.
Protein change: p.Arg211Trp; replaces arginine 211 with tryptophan.
Molecular consequence: missense variant. On other transcripts: non-coding transcript variant (1).
Genome position (GRCh38, 1-based): chr20:3,233,612, G>A on the plus strand (C>T on the coding strand, the complement: SLC4A11 is on the minus strand). VCF-style: chr20-3233612-G-A. GRCh37 (hg19) VCF-style: chr20-3214258-G-A.
Other names: c.760C>T, p.Arg254Trp (NM_001174090.2); c.631C>T, p.Arg211Trp (NM_001363745.2); c.679C>T, p.Arg227Trp (NM_032034.4); short protein forms R211W, R227W, R254W.
Identifiers: ClinVar variation 338254 (VCV000338254.8), dbSNP rs772277691, ClinGen allele CA9742188.
Genomic context (GRCh38, chr20:3,233,612, plus strand): 5'-CCTCACAGGAATTCTCCCCCCAGTTCTGTGGGCGAACCAGGCGGCTGATGCACACGTGCC[G>A]CTTCTGTAGGGCCTTCATGGTACAGCTGGCAGGGGCGGGGAGGACACAGTGCACAGTTGC-3'
Protein context (NP_001167560.1, residues 201-221): IICTMKALQK[Arg211Trp]HVCISRLVRP